The following is an entry in ClinVar:

NM_001130144.3(LTBP3):c.971-2A>C

Gene: LTBP3 (latent transforming growth factor beta binding protein 3; minus strand). Cytogenetic location: 11q13.1.
Variant type: single nucleotide variant.
Coding change: c.971-2A>C on transcript NM_001130144.3 (MANE Select); the canonical splice acceptor site of the intron before coding-DNA position 971, A replaced by C.
Molecular consequence: splice acceptor variant.
Genome position (GRCh38, 1-based): chr11:65,553,258, T>G on the plus strand (A>C on the coding strand, the complement: LTBP3 is on the minus strand). VCF-style: chr11-65553258-T-G. GRCh37 (hg19) VCF-style: chr11-65320729-T-G.
Other names: c.620-2A>C (NM_001164266.1); c.971-2A>C (NM_021070.4).
Identifiers: ClinVar variation 3725479 (VCV003725479.2).
Genomic context (GRCh38, chr11:65,553,258, plus strand): 5'-CTGGGGACAGTCAGCGCCCACTTCCCCACGTACAGGCCCTGGCTTCTGCACTCCTGTGTC[T>G]GCAGAGAGAGGATAGCTTGGCAGGGGAGGGTGAGGAGGGAACTGGGGAGGGGCACAGCAG-3'

ClinVar aggregate classification (germline): Likely pathogenic (1 of 4 stars; one submission).

Conditions:
Brachyolmia-amelogenesis imperfecta syndrome. Also called: PLATYSPONDYLY WITH AMELOGENESIS IMPERFECTA; Tooth agenesis, selective, 6; Dental anomalies and short stature. Identifiers: Orphanet 2899, MedGen C1832594, MONDO:0011018, OMIM 601216. Disease mechanism: loss of function.

Submission:

Labcorp Genetics (formerly Invitae), Labcorp
Classification: Likely pathogenic for Brachyolmia-amelogenesis imperfecta syndrome. Last evaluated: 2024-11-28. Review status: criteria provided, single submitter. Criteria: Invitae Variant Classification Sherloc (09022015). Collection method: clinical testing. Allele origin: germline.
Comment: This sequence change affects an acceptor splice site in intron 4 of the LTBP3 gene. It is expected to disrupt RNA splicing. Variants that disrupt the donor or acceptor splice site typically lead to a loss of protein function (PMID: 16199547), and loss-of-function variants in LTBP3 are known to be pathogenic (PMID: 11790802, 19344874, 25669657). This variant is not present in population databases (gnomAD no frequency). This variant has not been reported in the literature in individuals affected with LTBP3-related conditions. Algorithms developed to predict the effect of sequence changes on RNA splicing suggest that this variant may disrupt the consensus splice site. In summary, the currently available evidence indicates that the variant is pathogenic, but additional data are needed to prove that conclusively. Therefore, this variant has been classified as Likely Pathogenic.

Literature cited by the submitters: PubMed 16199547; PubMed 11790802; PubMed 19344874; PubMed 25669657.